The following is an entry in ClinVar:

ClinVar aggregate classification (germline): Uncertain significance (1 of 4 stars; one submission).

Allele frequency attached by ClinVar (database versions not stated): gnomAD exomes below 0.00001 and 0.00001; TOPMed below 0.00001.
gnomAD v4.1: 5 of 1,613,766 alleles (0.00031%); highest among the groups gnomAD compares: Non-Finnish European, 0.00034%; no homozygotes.

Submission:

Biesecker Lab/Clinical Genomics Section, National Institutes of Health
Classification: Uncertain significance. Last evaluated: 2013-06-24. Review status: criteria provided, single submitter. Criteria: Ng et al. (Circ Cardiovasc Genet. 2013). Collection method: research. Allele origin: unknown. Observed: 1 variant allele. Study: ClinSeq.
Comment: The study set was not selected for affection status in relation to any cancer. Pathogenicity categories were based on literature curation. See Pubmed ID:23861362 for details.

Medical sequencing

NM_001267550.2(TTN):c.27665C>T (p.Ala9222Val)

Gene: TTN (titin; minus strand). Cytogenetic location: 2q31.2.
Variant type: single nucleotide variant.
Coding change: c.27665C>T on transcript NM_001267550.2 (MANE Select); coding-DNA position 27665, C replaced by T.
Protein change: p.Ala9222Val; replaces alanine 9222 with valine.
Molecular consequence: missense variant. On other transcripts: intron variant (3).
Genome position (GRCh38, 1-based): chr2:178,712,165, G>A on the plus strand (C>T on the coding strand, the complement: TTN is on the minus strand). VCF-style: chr2-178712165-G-A. GRCh37 (hg19) VCF-style: chr2-179576892-G-A.
Other names: c.26714C>T, p.Ala8905Val (NM_001256850.1); c.23933C>T, p.Ala7978Val (NM_133378.4); c.13282+25917C>T (NM_003319.4); c.13858+25917C>T (NM_133437.4); c.13657+25917C>T (NM_133432.3); short protein forms A7978V, A9222V, A8905V.
Identifiers: ClinVar variation 192004 (VCV000192004.1), dbSNP rs786205313, ClinGen allele CA238078.